The following is an entry in ClinVar:

NM_017617.5(NOTCH1):c.2514C>T (p.Cys838=)

Gene: NOTCH1 (notch receptor 1; minus strand). Cytogenetic location: 9q34.3.
Variant type: single nucleotide variant.
Coding change: c.2514C>T on transcript NM_017617.5 (MANE Select); coding-DNA position 2514, C replaced by T.
Protein change: p.Cys838=; no amino-acid change (cysteine 838 retained).
Molecular consequence: synonymous variant.
Genome position (GRCh38, 1-based): chr9:136,511,225, G>A on the plus strand (C>T on the coding strand, the complement: NOTCH1 is on the minus strand). VCF-style: chr9-136511225-G-A. GRCh37 (hg19) VCF-style: chr9-139405677-G-A.
Other names: c.2514C>T, p.Cys838= (LRG_1122t1).
Identifiers: ClinVar variation 512480 (VCV000512480.11), dbSNP rs1554728839, ClinGen allele CA467716974.

ClinVar aggregate classification (germline): Likely benign. Review status: criteria provided, multiple submitters, no conflicts (2 of 4 stars). 5 submissions from 4 submitters: Likely benign (5). Last evaluated 2025-09-17.

Conditions:
Aortic valve disease 1 (AOVD1). Identifiers: MedGen C3887892, MONDO:0024523, OMIM 109730.
Adams-Oliver syndrome 5 (AOS5). Identifiers: Orphanet 974, MedGen C4014970, MONDO:0014459, OMIM 616028.
Familial thoracic aortic aneurysm and aortic dissection (TAAD). Also called: Thoracic aortic aneurysms and dissections. Identifiers: Orphanet 91387, MedGen C4707243, MONDO:0019625.

Allele frequency attached by ClinVar (database versions not stated): gnomAD exomes below 0.00001; TOPMed below 0.00001.
gnomAD v4.1: 6 of 1,612,740 alleles (0.00037%); highest among the groups gnomAD compares: Non-Finnish European, 0.00051%; no homozygotes.

Submissions (5):

Ambry Genetics
Classification: Likely benign for Familial thoracic aortic aneurysm and aortic dissection. Last evaluated: 2025-09-17. Review status: criteria provided, single submitter. Criteria: Ambry Variant Classification Scheme 2023. Collection method: clinical testing. Allele origin: germline.

Genome-Nilou Lab
Classification: Likely benign for Adams-Oliver syndrome 5. Last evaluated: 2022-03-15. Review status: criteria provided, single submitter. Criteria: ACMG Guidelines, 2015. Collection method: clinical testing. Allele origin: germline. Affected: no.

Genome-Nilou Lab
Classification: Likely benign for Aortic valve disease 1. Last evaluated: 2022-03-15. Review status: criteria provided, single submitter. Criteria: ACMG Guidelines, 2015. Collection method: clinical testing. Allele origin: germline. Affected: no.

Labcorp Genetics (formerly Invitae), Labcorp
Classification: Likely benign for Adams-Oliver syndrome 5. Last evaluated: 2020-04-26. Review status: criteria provided, single submitter. Criteria: Invitae Variant Classification Sherloc (09022015). Collection method: clinical testing. Allele origin: germline.

GeneDx
Classification: Likely benign. Last evaluated: 2017-10-03. Review status: criteria provided, single submitter. Criteria: GeneDx Variant Classification (06012015). Collection method: clinical testing. Allele origin: germline. Affected: yes.
Comment: This variant is considered likely benign or benign based on one or more of the following criteria: it is a conservative change, it occurs at a poorly conserved position in the protein, it is predicted to be benign by multiple in silico algorithms, and/or has population frequency not consistent with disease.